The following is an entry in ClinVar:

ClinVar aggregate classification (germline): Uncertain significance (1 of 4 stars; one submission).

Submission:

Labcorp Genetics (formerly Invitae), Labcorp
Classification: Uncertain significance. Last evaluated: 2024-05-14. Review status: criteria provided, single submitter. Criteria: Invitae Variant Classification Sherloc (09022015). Collection method: clinical testing. Allele origin: germline.
Comment: This sequence change falls in intron 6 of the LONP1 gene. It does not directly change the encoded amino acid sequence of the LONP1 protein. It affects a nucleotide within the consensus splice site. This variant is not present in population databases (gnomAD no frequency). This variant has not been reported in the literature in individuals affected with LONP1-related conditions. Variants that disrupt the consensus splice site are a relatively common cause of aberrant splicing (PMID: 17576681, 9536098). Algorithms developed to predict the effect of sequence changes on RNA splicing suggest that this variant is not likely to affect RNA splicing. In summary, the available evidence is currently insufficient to determine the role of this variant in disease. Therefore, it has been classified as a Variant of Uncertain Significance.

Literature cited by the submitters: PubMed 17576681; PubMed 9536098.

NM_004793.4(LONP1):c.1063-3C>T

Gene: LONP1 (lon peptidase 1, mitochondrial; minus strand). Cytogenetic location: 19p13.3.
Variant type: single nucleotide variant.
Coding change: c.1063-3C>T on transcript NM_004793.4 (MANE Select); 3 bases into the intron before coding-DNA position 1063, C replaced by T.
Molecular consequence: intron variant.
Genome position (GRCh38, 1-based): chr19:5,707,146, G>A on the plus strand (C>T on the coding strand, the complement: LONP1 is on the minus strand). VCF-style: chr19-5707146-G-A. GRCh37 (hg19) VCF-style: chr19-5707157-G-A.
Other names: c.475-3C>T (NM_001276480.1); c.871-3C>T (NM_001276479.2).
Identifiers: ClinVar variation 3653379 (VCV003653379.2).